The following is an entry in ClinVar:

NM_004715.5(CTDP1):c.2333C>T (p.Thr778Met)

Gene: CTDP1 (CTD phosphatase subunit 1; plus strand). Cytogenetic location: 18q23.
Variant type: single nucleotide variant.
Coding change: c.2333C>T on transcript NM_004715.5 (MANE Select); coding-DNA position 2333, C replaced by T.
Protein change: p.Thr778Met; replaces threonine 778 with methionine.
Molecular consequence: missense variant.
Genome position (GRCh38, 1-based): chr18:79,717,932, C>T. VCF-style: chr18-79717932-C-T. GRCh37 (hg19) VCF-style: chr18-77477932-C-T.
Other names: c.1976C>T, p.Thr659Met (NM_001202504.1); c.2333C>T, p.Thr778Met (NM_001318511.2, NM_048368.4); short protein forms T659M, T778M.
Identifiers: ClinVar variation 1521859 (VCV001521859.6), dbSNP rs765240178, ClinGen allele CA9010553.

ClinVar aggregate classification (germline): Uncertain significance (1 of 4 stars; one submission).

Allele frequency attached by ClinVar (database versions not stated): gnomAD 0.00001; gnomAD exomes 0.00001.

Submission:

Labcorp Genetics (formerly Invitae), Labcorp
Classification: Uncertain significance. Last evaluated: 2024-10-15. Review status: criteria provided, single submitter. Criteria: Invitae Variant Classification Sherloc (09022015). Collection method: clinical testing. Allele origin: germline.
Comment: This sequence change replaces threonine, which is neutral and polar, with methionine, which is neutral and non-polar, at codon 778 of the CTDP1 protein (p.Thr778Met). This variant is present in population databases (rs765240178, gnomAD 0.003%). This variant has not been reported in the literature in individuals affected with CTDP1-related conditions. ClinVar contains an entry for this variant (Variation ID: 1521859). An algorithm developed to predict the effect of missense changes on protein structure and function (PolyPhen-2) suggests that this variant is likely to be disruptive. In summary, the available evidence is currently insufficient to determine the role of this variant in disease. Therefore, it has been classified as a Variant of Uncertain Significance.